The following is an entry in ClinVar:

ClinVar aggregate classification (germline): Benign/Likely benign. Review status: criteria provided, multiple submitters, no conflicts (2 of 4 stars). 14 submissions from 14 submitters: Benign (1); Likely benign (12). 1 of the submissions does not count toward it. Last evaluated 2026-01-28.

Conditions:
Hereditary cancer-predisposing syndrome. Also called: Neoplastic Syndromes, Hereditary; Hereditary Cancer Syndrome; Tumor predisposition; Hereditary neoplastic syndrome. Identifiers: Orphanet 140162, MedGen C0027672, MeSH D009386, MONDO:0015356.
Familial adenomatous polyposis 2. Also called: COLORECTAL ADENOMATOUS POLYPOSIS, AUTOSOMAL RECESSIVE; ADENOMAS, MULTIPLE COLORECTAL, AUTOSOMAL RECESSIVE; MUTYH-associated polyposis; MYH-associated polyposis; MUTYH-related attenuated familial adenomatous polyposis; MUTYH Polyposis. Identifiers: Orphanet 220460, Orphanet 247798, MedGen C3272841, MONDO:0012041, OMIM 608456.

Allele frequency attached by ClinVar (database versions not stated): gnomAD 0.00010 and 0.00013; TOPMed 0.00011; ExAC 0.00012; gnomAD exomes 0.00013.
gnomAD v4.1: 155 of 1,613,992 alleles (0.0096%); highest among the groups gnomAD compares: Middle Eastern, 0.21%; 1 homozygote.

Submissions (14):

Labcorp Genetics (formerly Invitae), Labcorp
Classification: Likely benign for Familial adenomatous polyposis 2. Last evaluated: 2026-01-28. Review status: criteria provided, single submitter. Criteria: Invitae Variant Classification Sherloc (09022015). Collection method: clinical testing. Allele origin: germline.

Women's Health and Genetics/Laboratory Corporation of America, LabCorp
Classification: Likely benign. Last evaluated: 2025-03-24. Review status: criteria provided, single submitter. Criteria: LabCorp Variant Classification Summary - May 2015. Collection method: clinical testing. Allele origin: germline.
Comment: Variant summary: MUTYH c.37-7G>A alters a conserved nucleotide located close to a canonical splice site and therefore could affect mRNA splicing, leading to a significantly altered protein sequence. Consensus agreement among computation tools predict no significant impact on normal splicing. However, these predictions have yet to be confirmed by functional studies. The variant allele was found at a frequency of 0.00013 in 251438 control chromosomes. This frequency is not significantly higher than estimated for a pathogenic variant in MUTYH causing MUTYH-Associated Polyposis (0.00013 vs 0.0046), allowing no conclusion about variant significance. c.37-7G>A has been reported in the literature as a VUS in settings of multigene panel testing on individuals affected with breast/colorectal cancer (example, Tung_2015, Yurgelun_2015). These report(s) do not provide unequivocal conclusions about association of the variant with MUTYH-Associated Polyposis. To our knowledge, no experimental evidence demonstrating an impact on protein function has been reported. The following publications have been ascertained in the context of this evaluation (PMID: 25186627, 25980754). ClinVar contains an entry for this variant (Variation ID: 215797). Based on the evidence outlined above, the variant was classified as likely benign.

Center for Genomic Medicine, Rigshospitalet, Copenhagen University Hospital
Classification: Likely benign. Last evaluated: 2025-03-04. Review status: criteria provided, single submitter. Criteria: ACMG Guidelines, 2015. Collection method: clinical testing. Allele origin: germline.

Blueprint Genetics
Classification: Likely benign. Last evaluated: 2024-08-02. Review status: criteria provided, single submitter. Criteria: ACMG Guidelines, 2015. Collection method: clinical testing. Allele origin: germline.

All of Us Research Program, National Institutes of Health
Classification: Likely benign for Familial adenomatous polyposis 2. Last evaluated: 2024-02-05. Review status: criteria provided, single submitter. Criteria: ACMG Guidelines, 2015. Collection method: clinical testing. Allele origin: germline. Inheritance: Autosomal recessive inheritance. Observed: 48 variant alleles, 48 heterozygotes.
Comment: This study involves interpretation of variants in research participants for the purpose of population health screening. Participant phenotype was not available at the time of variant classification. Additional details can be found in publication PMID: 35346344, PMCID: PMC8962531

KCCC/NGS Laboratory, Kuwait Cancer Control Center
Classification: Likely benign for Familial adenomatous polyposis 2. Last evaluated: 2023-07-07. Review status: criteria provided, single submitter. Criteria: ACMG Guidelines, 2015. Collection method: clinical testing. Allele origin: germline. Affected: yes.

Quest Diagnostics Nichols Institute San Juan Capistrano
Classification: Likely benign. Last evaluated: 2022-09-05. Review status: criteria provided, single submitter. Criteria: Quest Diagnostics criteria. Collection method: clinical testing. Allele origin: unknown.

Sema4
Classification: Likely benign for Hereditary cancer-predisposing syndrome. Last evaluated: 2021-05-29. Review status: criteria provided, single submitter. Criteria: Sema4 Curation Guidelines. Collection method: curation. Allele origin: germline.

Mendelics
Classification: Likely benign for Familial adenomatous polyposis 2. Last evaluated: 2019-05-28. Review status: criteria provided, single submitter. Criteria: Mendelics Assertion Criteria 2017. Collection method: clinical testing. Allele origin: unknown.

PreventionGenetics, part of Exact Sciences
Classification: Likely benign. Last evaluated: 2017-06-02. Review status: criteria provided, single submitter. Criteria: ACMG Guidelines, 2015. Collection method: clinical testing. Allele origin: germline.

Color Diagnostics, LLC DBA Color Health
Classification: Likely benign for Hereditary cancer-predisposing syndrome. Last evaluated: 2016-07-28. Review status: criteria provided, single submitter. Criteria: ACMG Guidelines, 2015. Collection method: clinical testing. Allele origin: germline.

GeneDx
Classification: Benign. Last evaluated: 2015-03-03. Review status: criteria provided, single submitter. Criteria: GeneDx Variant Classification Process June 2021. Collection method: clinical testing. Allele origin: germline. Affected: yes.

Breakthrough Genomics
Classification: Likely benign. Review status: criteria provided, single submitter. Criteria: ACMG Guidelines, 2015. Collection method: not provided. Allele origin: germline. Inheritance: Autosomal recessive inheritance. Affected: yes.

Counsyl
Classification: Likely benign for Familial adenomatous polyposis 2. Last evaluated: 2018-05-17. Review status: no assertion criteria provided. Collection method: clinical testing. Allele origin: unknown. Not counted in ClinVar's aggregate classification.

Literature cited by the submitters: PubMed 25980754 (cited by 3 submitters); PubMed 25186627 (cited by 3 submitters).

NM_001048174.2(MUTYH):c.-6-7G>A

Gene: MUTYH (mutY DNA glycosylase; minus strand). Cytogenetic location: 1p34.1.
Variant type: single nucleotide variant.
Coding change: c.-6-7G>A on transcript NM_001048174.2 (MANE Select); 7 bases into the intron before 6 bases upstream of the start codon, G replaced by A.
Molecular consequence: intron variant.
Genome position (GRCh38, 1-based): chr1:45,334,518, C>T on the plus strand (G>A on the coding strand, the complement: MUTYH is on the minus strand). VCF-style: chr1-45334518-C-T. GRCh37 (hg19) VCF-style: chr1-45800190-C-T.
Other names: c.-213-7G>A (NM_001350651.2); c.-218-7G>A (NM_001293192.2, NM_001293196.2); c.-277-7G>A (NM_001350650.2); c.-6-7G>A (NM_001048171.2, NM_001048173.2, NM_001048172.2 and 2 more transcripts); c.37-7G>A (NM_001293190.2, NM_012222.3, NM_001128425.2).
Identifiers: ClinVar variation 215797 (VCV000215797.43), dbSNP rs780029247, ClinGen allele CA058985.